The following is an entry in ClinVar:

ClinVar aggregate classification (germline): Conflicting classifications of pathogenicity. Review status: criteria provided, conflicting classifications (1 of 4 stars). 2 submissions from 2 submitters: Uncertain significance (1); Likely benign (1). Last evaluated 2026-01-06.

Conditions:
Primary ciliary dyskinesia. Also called: Ciliary dyskinesia. Identifiers: Orphanet 244, MedGen C0008780, MONDO:0016575, HP:0012265.

Allele frequency attached by ClinVar (database versions not stated): ExAC 0.00003; gnomAD 0.00004; TOPMed 0.00004.
gnomAD v4.1: 128 of 1,613,816 alleles (0.0079%); highest among the groups gnomAD compares: Non-Finnish European, 0.0099%; no homozygotes.

Submissions (2):

Labcorp Genetics (formerly Invitae), Labcorp
Classification: Likely benign for Primary ciliary dyskinesia. Last evaluated: 2026-01-06. Review status: criteria provided, single submitter. Criteria: Invitae Variant Classification Sherloc (09022015). Collection method: clinical testing. Allele origin: germline.

Ambry Genetics
Classification: Uncertain significance for Primary ciliary dyskinesia. Last evaluated: 2014-11-26. Review status: criteria provided, single submitter. Criteria: Ambry Variant Classification Scheme 2023. Collection method: clinical testing. Allele origin: germline.
Comment: The p.D4229N variant (also known as c.12685G>A), located in coding exon 73 of the DNAH5 gene, results from a G to A substitution at nucleotide position 12685. The aspartic acid at codon 4229 is replaced by asparagine, an amino acid with some highly similar properties. This variant was not reported in population based cohorts in the following databases: Database of Single Nucleotide Polymorphisms (dbSNP), NHLBI Exome Sequencing Project (ESP), and 1000 Genomes Project. In the ESP, this variant was not observed in 6503 samples (13006 alleles) with coverage at this position. This amino acid position is well conserved in available vertebrate species. In addition, this alteration is predicted to be tolerated by in silico analysis. Since supporting evidence is limited at this time, the clinical significance of this variant remains unclear.

NM_001369.3(DNAH5):c.12685G>A (p.Asp4229Asn)

Gene: DNAH5 (dynein axonemal heavy chain 5; minus strand). Cytogenetic location: 5p15.2.
Variant type: single nucleotide variant.
Coding change: c.12685G>A on transcript NM_001369.3 (MANE Select); coding-DNA position 12685, G replaced by A.
Protein change: p.Asp4229Asn; replaces aspartic acid 4229 with asparagine.
Molecular consequence: missense variant.
Genome position (GRCh38, 1-based): chr5:13,717,335, C>T on the plus strand (G>A on the coding strand, the complement: DNAH5 is on the minus strand). VCF-style: chr5-13717335-C-T. GRCh37 (hg19) VCF-style: chr5-13717444-C-T.
Other names: short protein forms D4229N.
Identifiers: ClinVar variation 1764527 (VCV001764527.7), dbSNP rs746241201, ClinGen allele CA3201570.